The following is an entry in ClinVar:

ClinVar aggregate classification (germline): Uncertain significance (1 of 4 stars; one submission).

Submission:

GeneDx
Classification: Uncertain significance. Last evaluated: 2022-03-17. Review status: criteria provided, single submitter. Criteria: GeneDx Variant Classification Process June 2021. Collection method: clinical testing. Allele origin: germline. Affected: yes.
Comment: Not observed at significant frequency in large population cohorts (gnomAD); In silico analysis supports that this missense variant does not alter protein structure/function; Has not been previously published as pathogenic or benign to our knowledge

NM_014727.3(KMT2B):c.404G>C (p.Ser135Thr)

Gene: KMT2B (lysine methyltransferase 2B; plus strand). Cytogenetic location: 19q13.12.
Variant type: single nucleotide variant.
Coding change: c.404G>C on transcript NM_014727.3 (MANE Select); coding-DNA position 404, G replaced by C.
Protein change: p.Ser135Thr; replaces serine 135 with threonine.
Molecular consequence: missense variant.
Genome position (GRCh38, 1-based): chr19:35,719,509, G>C. VCF-style: chr19-35719509-G-C. GRCh37 (hg19) VCF-style: chr19-36210411-G-C.
Other names: short protein forms S135T.
Identifiers: ClinVar variation 1706100 (VCV001706100.2), dbSNP rs2513310134, ClinGen allele CA405378197.